The following is an entry in ClinVar:

ClinVar aggregate classification (germline): Pathogenic (1 of 4 stars; one submission).

Conditions:
Neuromuscular disease caused by qualitative or quantitative defects of dystrophin. Also called: Qualitative or quantitative defects of dystrophin. Identifiers: Orphanet 207085, MedGen C5679787, MONDO:0016147.

Submission:

Women's Health and Genetics/Laboratory Corporation of America, LabCorp
Classification: Pathogenic for Neuromuscular disease caused by qualitative or quantitative defects of dystrophin. Last evaluated: 2024-05-22. Review status: criteria provided, single submitter. Criteria: LabCorp Variant Classification Summary - May 2015. Collection method: clinical testing. Allele origin: germline.
Comment: Variant summary: The variant involves the deletion of exons 35-43 in the DMD gene. This Copy Number Variant (CNV) is expected to alter the reading frame and predicted to result in a truncation or absence of the encoded protein due to nonsense mediated decay (NMD). A presumed nomenclature of c.(4845+1_4846-1)_(6290+1_6291-1)del has been designated for the purposes of this classification. The variant was absent in 16120 control chromosomes (gnomAD). c.(4845+1_4846-1)_(6290+1_6291-1)del has been reported in the literature in an individual(s) affected with Duchenne Muscular Dystrophy (Zamani_2022). The following publication has been ascertained in the context of this evaluation (PMID: 35501714). ClinVar contains an entry for this variant (Variation ID: 1459753). Based on the evidence outlined above, the variant was classified as pathogenic.

Literature cited by the submitters: PubMed 35501714.

NC_000023.10:g.(32235181_32305645)_(32383317_32398626)del

Gene: DMD (dystrophin; minus strand). Cytogenetic location: Xp21.1.
Variant type: Deletion.
Identifiers: ClinVar variation 3336447 (VCV003336447.1).